The following is an entry in ClinVar:

ClinVar aggregate classification (germline): Uncertain significance (1 of 4 stars; one submission).

Allele frequency attached by ClinVar (database versions not stated): gnomAD 0.00001; TOPMed 0.00001; ESP Exome Variant Server 0.00008.
gnomAD v4.1: 23 of 1,613,512 alleles (0.0014%); highest among the groups gnomAD compares: South Asian, 0.0022%; no homozygotes.

Submission:

Labcorp Genetics (formerly Invitae), Labcorp
Classification: Uncertain significance. Last evaluated: 2022-06-13. Review status: criteria provided, single submitter. Criteria: Invitae Variant Classification Sherloc (09022015). Collection method: clinical testing. Allele origin: germline.
Comment: This sequence change replaces arginine, which is basic and polar, with cysteine, which is neutral and slightly polar, at codon 1080 of the SORL1 protein (p.Arg1080Cys). This variant is present in population databases (rs376993434, gnomAD 0.005%). This missense change has been observed in individual(s) with SORL1-related conditions (PMID: 28537274, 30090657). Algorithms developed to predict the effect of missense changes on protein structure and function are either unavailable or do not agree on the potential impact of this missense change (SIFT: "Deleterious"; PolyPhen-2: "Possibly Damaging"; Align-GVGD: "Class C15"). In summary, the available evidence is currently insufficient to determine the role of this variant in disease. Therefore, it has been classified as a Variant of Uncertain Significance.

Literature cited by the submitters: PubMed 28537274; PubMed 30090657.

NM_003105.6(SORL1):c.3238C>T (p.Arg1080Cys)

Genes: SORL1 (sortilin related receptor 1; plus strand), LOC130006953 (ATAC-STARR-seq lymphoblastoid active region 5661; plus strand). Cytogenetic location: 11q24.1.
Variant type: single nucleotide variant.
Coding change: c.3238C>T on transcript NM_003105.6 (MANE Select); coding-DNA position 3238, C replaced by T.
Protein change: p.Arg1080Cys; replaces arginine 1080 with cysteine.
Molecular consequence: missense variant.
Genome position (GRCh38, 1-based): chr11:121,570,171, C>T. VCF-style: chr11-121570171-C-T. GRCh37 (hg19) VCF-style: chr11-121440880-C-T.
Other names: short protein forms R1080C.
Identifiers: ClinVar variation 2137278 (VCV002137278.4), dbSNP rs376993434, ClinGen allele CA6329182.
Genomic context (GRCh38, chr11:121,570,171, plus strand): 5'-AATAATATTGGTTTCATTTCCTCCCCTGCCGCACTCTGATGGGTAGAGAACACCTGTCTT[C>T]GCAACCAGTATCGCTGCAGCAACGGGAACTGTATCAACAGCATTTGGTGGTGTGACTTTG-3'
Protein context (NP_003096.2, residues 1070-1090): TCVKQENTCL[Arg1080Cys]NQYRCSNGNC